The following is an entry in ClinVar:

NM_000038.6(APC):c.520T>G (p.Leu174Val)

Gene: APC (APC regulator of WNT signaling pathway; plus strand). Cytogenetic location: 5q22.2.
Variant type: single nucleotide variant.
Coding change: c.520T>G on transcript NM_000038.6 (MANE Select); coding-DNA position 520, T replaced by G.
Protein change: p.Leu174Val; replaces leucine 174 with valine.
Molecular consequence: missense variant. On other transcripts: 5 prime UTR variant (4), non-coding transcript variant (2).
Genome position (GRCh38, 1-based): chr5:112,775,726, T>G. VCF-style: chr5-112775726-T-G. GRCh37 (hg19) VCF-style: chr5-112111423-T-G.
Other names: c.520T>G, p.Leu174Val (NM_001127510.3, NM_001354895.2, NM_001354896.2 and 16 more transcripts); c.550T>G, p.Leu184Val (NM_001127511.3, NM_001354897.2, NM_001354902.2 and 1 more transcripts); c.445T>G, p.Leu149Val (NM_001354898.2, NM_001354904.2, NM_001407451.1); c.343T>G, p.Leu115Val (NM_001354900.2, NM_001354901.2, NM_001354905.2 and 1 more transcripts); c.-516T>G (NM_001354906.2, NM_001407470.1, NM_001407471.1 and 1 more transcripts); short protein forms L115V, L149V, L174V, L184V.
Identifiers: ClinVar variation 2499245 (VCV002499245.1), dbSNP rs1757571290, ClinGen allele CA16022463.

ClinVar aggregate classification (germline): Uncertain significance (1 of 4 stars; one submission).

Submission:

GeneDx
Classification: Uncertain significance. Last evaluated: 2022-10-17. Review status: criteria provided, single submitter. Criteria: GeneDx Variant Classification Process June 2021. Collection method: clinical testing. Allele origin: germline. Affected: yes.
Comment: Not observed at significant frequency in large population cohorts (gnomAD); In silico analysis supports that this missense variant does not alter protein structure/function; Has not been previously published as pathogenic or benign to our knowledge